The following is an entry in ClinVar:

NM_053025.4(MYLK):c.4072G>A (p.Asp1358Asn)

Gene: MYLK (myosin light chain kinase; minus strand). Cytogenetic location: 3q21.1.
Variant type: single nucleotide variant.
Coding change: c.4072G>A on transcript NM_053025.4 (MANE Select); coding-DNA position 4072, G replaced by A.
Protein change: p.Asp1358Asn; replaces aspartic acid 1358 with asparagine.
Molecular consequence: missense variant.
Genome position (GRCh38, 1-based): chr3:123,657,342, C>T on the plus strand (G>A on the coding strand, the complement: MYLK is on the minus strand). VCF-style: chr3-123657342-C-T. GRCh37 (hg19) VCF-style: chr3-123376189-C-T.
Other names: c.3544G>A, p.Asp1182Asn (NM_001321309.2); c.3865G>A, p.Asp1289Asn (NM_053026.4, NM_053028.4); c.4072G>A, p.Asp1358Asn (NM_053027.4); short protein forms D1358N, D1182N, D1289N.
Identifiers: ClinVar variation 3665887 (VCV003665887.2).

ClinVar aggregate classification (germline): Uncertain significance (1 of 4 stars; one submission).

Conditions:
Aortic aneurysm, familial thoracic 7 (AAT7). Also called: AORTIC DISSECTION, FAMILIAL, WITH OR WITHOUT AORTIC ANEURYSM. Identifiers: MedGen C3151077, MONDO:0013418, OMIM 613780.

Submission:

Labcorp Genetics (formerly Invitae), Labcorp
Classification: Uncertain significance for Aortic aneurysm, familial thoracic 7. Last evaluated: 2025-01-07. Review status: criteria provided, single submitter. Criteria: Invitae Variant Classification Sherloc (09022015). Collection method: clinical testing. Allele origin: germline.
Comment: This sequence change replaces aspartic acid, which is acidic and polar, with asparagine, which is neutral and polar, at codon 1358 of the MYLK protein (p.Asp1358Asn). This variant is not present in population databases (gnomAD no frequency). This variant has not been reported in the literature in individuals affected with MYLK-related conditions. Invitae Evidence Modeling of protein sequence and biophysical properties (such as structural, functional, and spatial information, amino acid conservation, physicochemical variation, residue mobility, and thermodynamic stability) indicates that this missense variant is not expected to disrupt MYLK protein function with a negative predictive value of 80%. In summary, the available evidence is currently insufficient to determine the role of this variant in disease. Therefore, it has been classified as a Variant of Uncertain Significance.